The following is an entry in ClinVar:

NM_003571.4(BFSP2):c.518G>A (p.Arg173Gln)

Genes: BFSP2-AS1 (BFSP2 antisense RNA 1; minus strand), BFSP2 (beaded filament structural protein 2; plus strand). Cytogenetic location: 3q22.1.
Variant type: single nucleotide variant.
Coding change: c.518G>A on transcript NM_003571.4 (MANE Select); coding-DNA position 518, G replaced by A.
Protein change: p.Arg173Gln; replaces arginine 173 with glutamine.
Molecular consequence: missense variant.
Genome position (GRCh38, 1-based): chr3:133,447,345, G>A. VCF-style: chr3-133447345-G-A. GRCh37 (hg19) VCF-style: chr3-133166189-G-A.
Other names: c.518G>A (NM_003571.2); short protein forms R173Q.
Identifiers: ClinVar variation 3689386 (VCV003689386.3).

ClinVar aggregate classification (germline): Uncertain significance. Review status: criteria provided, multiple submitters, no conflicts (2 of 4 stars). 2 submissions from 2 submitters: Uncertain significance (2). Last evaluated 2025-05-15.

Conditions:
Cataract 12 multiple types. Identifiers: Orphanet 91492, MedGen C3808115, MONDO:0012701, OMIM 611597.

gnomAD v4.1: 72 of 1,614,002 alleles (0.0045%); highest among the groups gnomAD compares: African/African-American, 0.023%; no homozygotes.

Submissions (2):

Ambry Genetics
Classification: Uncertain significance. Last evaluated: 2025-05-15. Review status: criteria provided, single submitter. Criteria: Ambry Variant Classification Scheme 2023. Collection method: clinical testing. Allele origin: germline.

Labcorp Genetics (formerly Invitae), Labcorp
Classification: Uncertain significance for Cataract 12 multiple types. Last evaluated: 2024-03-27. Review status: criteria provided, single submitter. Criteria: Invitae Variant Classification Sherloc (09022015). Collection method: clinical testing. Allele origin: germline.
Comment: This sequence change replaces arginine, which is basic and polar, with glutamine, which is neutral and polar, at codon 173 of the BFSP2 protein (p.Arg173Gln). This variant is present in population databases (rs147942191, gnomAD 0.03%). This variant has not been reported in the literature in individuals affected with BFSP2-related conditions. Advanced modeling of protein sequence and biophysical properties (such as structural, functional, and spatial information, amino acid conservation, physicochemical variation, residue mobility, and thermodynamic stability) performed at Invitae indicates that this missense variant is not expected to disrupt BFSP2 protein function with a negative predictive value of 80%. In summary, the available evidence is currently insufficient to determine the role of this variant in disease. Therefore, it has been classified as a Variant of Uncertain Significance.